The following is an entry in ClinVar:

ClinVar aggregate classification (germline): Benign/Likely benign. Review status: criteria provided, multiple submitters, no conflicts (2 of 4 stars). 4 submissions from 3 submitters: Benign (2); Likely benign (1). 1 of the submissions does not count toward it. Last evaluated 2024-12-15.

Conditions:
COMP-related disorder. Also called: COMP-related disorders; COMP-related condition.
Pseudoachondroplastic spondyloepiphyseal dysplasia syndrome (PSACH). Also called: PSEUDOACHONDROPLASTIC DYSPLASIA; Pseudoachondroplasia; COMP-Related Pseudoachondroplasia. Identifiers: Orphanet 750, MedGen C0410538, MONDO:0008322, OMIM 177170.
Multiple epiphyseal dysplasia type 1. Also called: COMP-Related Multiple Epiphyseal Dysplasia. Identifiers: Orphanet 93308, MedGen C1838280, MONDO:0007561, OMIM 132400.

Allele frequency attached by ClinVar (database versions not stated): gnomAD exomes 0.00002 and 0.00015; gnomAD 0.00007 and 0.00009; TOPMed 0.00012; ExAC 0.00016; 1000 Genomes Project 0.00040; 1000 Genomes Project 30x 0.00062.

Submissions (4):

Labcorp Genetics (formerly Invitae), Labcorp
Classification: Benign. Last evaluated: 2024-12-15. Review status: criteria provided, single submitter. Criteria: Invitae Variant Classification Sherloc (09022015). Collection method: clinical testing. Allele origin: germline.

Illumina Laboratory Services, Illumina
Classification: Likely benign for Multiple epiphyseal dysplasia type 1. Last evaluated: 2018-01-13. Review status: criteria provided, single submitter. Criteria: ICSL Variant Classification Criteria 13 December 2019. Collection method: clinical testing. Allele origin: germline.
Comment: This variant was observed in the ICSL laboratory as part of a predisposition screen in an ostensibly healthy population. It had not been previously curated by ICSL or reported in the Human Gene Mutation Database (HGMD: prior to June 1st, 2018), and was therefore a candidate for classification through an automated scoring system. Utilizing variant allele frequency, disease prevalence and penetrance estimates, and inheritance mode, an automated score was calculated to assess if this variant is too frequent to cause the disease. Based on the score and internal cut-off values, a variant classified as likely benign is not then subjected to further curation. The score for this variant resulted in a classification of likely benign for this disease.

Illumina Laboratory Services, Illumina
Classification: Benign for Pseudoachondroplastic spondyloepiphyseal dysplasia syndrome. Last evaluated: 2018-01-13. Review status: criteria provided, single submitter. Criteria: ICSL Variant Classification Criteria 13 December 2019. Collection method: clinical testing. Allele origin: germline.
Comment: This variant was observed in the ICSL laboratory as part of a predisposition screen in an ostensibly healthy population. It had not been previously curated by ICSL or reported in the Human Gene Mutation Database (HGMD: prior to June 1st, 2018), and was therefore a candidate for classification through an automated scoring system. Utilizing variant allele frequency, disease prevalence and penetrance estimates, and inheritance mode, an automated score was calculated to assess if this variant is too frequent to cause the disease. Based on the score and internal cut-off values, a variant classified as benign is not then subjected to further curation. The score for this variant resulted in a classification of benign for this disease.

PreventionGenetics, part of Exact Sciences
Classification: Likely benign for COMP-related condition. Last evaluated: 2019-04-01. Review status: no assertion criteria provided. Collection method: clinical testing. Allele origin: germline. Not counted in ClinVar's aggregate classification.
Comment: This variant is classified as likely benign based on ACMG/AMP sequence variant interpretation guidelines (Richards et al. 2015 PMID: 25741868, with internal and published modifications).

NM_000095.3(COMP):c.924C>T (p.Ile308=)

Gene: COMP (cartilage oligomeric matrix protein; minus strand). Cytogenetic location: 19p13.11.
Variant type: single nucleotide variant.
Coding change: c.924C>T on transcript NM_000095.3 (MANE Select); coding-DNA position 924, C replaced by T.
Protein change: p.Ile308=; no amino-acid change (isoleucine 308 retained).
Molecular consequence: synonymous variant.
Genome position (GRCh38, 1-based): chr19:18,788,263, G>A on the plus strand (C>T on the coding strand, the complement: COMP is on the minus strand). VCF-style: chr19-18788263-G-A. GRCh37 (hg19) VCF-style: chr19-18899072-G-A.
Identifiers: ClinVar variation 891982 (VCV000891982.8), dbSNP rs199596155, ClinGen allele CA9316585.